The following is an entry in ClinVar:

ClinVar aggregate classification (germline): Likely benign. Review status: criteria provided, single submitter (1 of 4 stars). 2 submissions from 2 submitters: Likely benign (1). 1 of the submissions does not count toward it. Last evaluated 2023-10-05.

Conditions:
DSG4-related disorder. Also called: DSG4-related condition.

Allele frequency attached by ClinVar (database versions not stated): ExAC 0.00002; gnomAD exomes 0.00002; TOPMed 0.00014.
gnomAD v4.1: 61 of 1,614,038 alleles (0.0038%); highest among the groups gnomAD compares: African/African-American, 0.052%; no homozygotes.

Submissions (2):

Labcorp Genetics (formerly Invitae), Labcorp
Classification: Likely benign. Last evaluated: 2023-10-05. Review status: criteria provided, single submitter. Criteria: Invitae Variant Classification Sherloc (09022015). Collection method: clinical testing. Allele origin: germline.

PreventionGenetics, part of Exact Sciences
Classification: Likely benign for DSG4-related condition. Last evaluated: 2019-09-10. Review status: no assertion criteria provided. Collection method: clinical testing. Allele origin: germline. Not counted in ClinVar's aggregate classification.
Comment: This variant is classified as likely benign based on ACMG/AMP sequence variant interpretation guidelines (Richards et al. 2015 PMID: 25741868, with internal and published modifications).

NM_177986.5(DSG4):c.2733C>T (p.Tyr911=)

Genes: DSG1-AS1 (DSG1 antisense RNA 1; minus strand), DSG4 (desmoglein 4; plus strand). Cytogenetic location: 18q12.1.
Variant type: single nucleotide variant.
Coding change: c.2733C>T on transcript NM_177986.5 (MANE Select); coding-DNA position 2733, C replaced by T.
Protein change: p.Tyr911=; no amino-acid change (tyrosine 911 retained).
Molecular consequence: synonymous variant.
Genome position (GRCh38, 1-based): chr18:31,413,205, C>T. VCF-style: chr18-31413205-C-T. GRCh37 (hg19) VCF-style: chr18-28993168-C-T.
Other names: c.2733C>T (NM_177986.4); c.2790C>T, p.Tyr930= (NM_001134453.3).
Identifiers: ClinVar variation 2889202 (VCV002889202.5), dbSNP rs748253642, ClinGen allele CA8927397.
Genomic context (GRCh38, chr18:31,413,205, plus strand): 5'-AGAAGAAATGGCAGCATCTGAACCCGTGGTCCATGGGGATATTATTGTGACTGAGACTTA[C>T]GGTAATGCTGATCCATGTGTGCAACCCACTACAATTATTTTTGATCCTCAGCTTGCACCC-3'
Protein context (NP_817123.1, residues 901-921): VHGDIIVTET[Tyr911=]GNADPCVQPT